The following is an entry in ClinVar:

ClinVar aggregate classification (germline): Uncertain significance (1 of 4 stars; one submission).

gnomAD v4.1: 30 of 1,560,424 alleles (0.0019%); highest among the groups gnomAD compares: South Asian, 0.017%; no homozygotes.

Submission:

Labcorp Genetics (formerly Invitae), Labcorp
Classification: Uncertain significance. Last evaluated: 2024-02-14. Review status: criteria provided, single submitter. Criteria: Invitae Variant Classification Sherloc (09022015). Collection method: clinical testing. Allele origin: germline.
Comment: This sequence change replaces arginine, which is basic and polar, with glutamine, which is neutral and polar, at codon 1756 of the TRIOBP protein (p.Arg1756Gln). This variant is present in population databases (rs748269563, gnomAD 0.01%). This variant has not been reported in the literature in individuals affected with TRIOBP-related conditions. Algorithms developed to predict the effect of missense changes on protein structure and function output the following: SIFT: "Not Available"; PolyPhen-2: "Benign"; Align-GVGD: "Not Available". The glutamine amino acid residue is found in multiple mammalian species, which suggests that this missense change does not adversely affect protein function. In summary, the available evidence is currently insufficient to determine the role of this variant in disease. Therefore, it has been classified as a Variant of Uncertain Significance.

NM_001039141.3(TRIOBP):c.5267G>A (p.Arg1756Gln)

Gene: TRIOBP (TRIO and F-actin binding protein; plus strand). Cytogenetic location: 22q13.1.
Variant type: single nucleotide variant.
Coding change: c.5267G>A on transcript NM_001039141.3 (MANE Select); coding-DNA position 5267, G replaced by A.
Protein change: p.Arg1756Gln; replaces arginine 1756 with glutamine.
Molecular consequence: missense variant.
Genome position (GRCh38, 1-based): chr22:37,740,977, G>A. VCF-style: chr22-37740977-G-A. GRCh37 (hg19) VCF-style: chr22-38136984-G-A.
Other names: short protein forms R1756Q.
Identifiers: ClinVar variation 3626216 (VCV003626216.2).